The following is an entry in ClinVar:

NM_000443.4(ABCB4):c.3148C>T (p.Pro1050Ser)

Gene: ABCB4 (ATP binding cassette subfamily B member 4; minus strand). Cytogenetic location: 7q21.12.
Variant type: single nucleotide variant.
Coding change: c.3148C>T on transcript NM_000443.4 (MANE Select); coding-DNA position 3148, C replaced by T.
Protein change: p.Pro1050Ser; replaces proline 1050 with serine.
Molecular consequence: missense variant.
Genome position (GRCh38, 1-based): chr7:87,408,168, G>A on the plus strand (C>T on the coding strand, the complement: ABCB4 is on the minus strand). VCF-style: chr7-87408168-G-A. GRCh37 (hg19) VCF-style: chr7-87037484-G-A.
Other names: c.3148C>T, p.Pro1050Ser (NM_018849.3); c.3007C>T, p.Pro1003Ser (NM_018850.3); short protein forms P1003S, P1050S.
Identifiers: ClinVar variation 2769223 (VCV002769223.4), dbSNP rs2546751537, ClinGen allele CA368059328.

ClinVar aggregate classification (germline): Uncertain significance. Review status: criteria provided, multiple submitters, no conflicts (2 of 4 stars). 2 submissions from 2 submitters: Uncertain significance (2). Last evaluated 2026-04-14.

Conditions:
Familial intrahepatic cholestasis. Identifiers: Orphanet 284385, MedGen CN296401, MONDO:0017290.

Allele frequency attached by ClinVar (database versions not stated): gnomAD exomes below 0.00001.
gnomAD v4.1: 1 of 1,614,200 alleles (0.000062%); highest among the groups gnomAD compares: South Asian, 0.0011%; no homozygotes.

Submissions (2):

Genomenon, Inc
Classification: Uncertain significance for Familial intrahepatic cholestasis. Last evaluated: 2026-04-14. Review status: criteria provided, single submitter. Criteria: Genomenon Sequence Variant Interpretation Standards - Updated. Collection method: curation. Allele origin: germline. Affected: yes.
Comment: ABCB4 p.Pro1050Ser (c.3148C>T) is a missense variant that changes the amino acid at residue 1050 from Proline to Serine. This variant has been observed in at least one proband with an ABCB4-related disorder (PMID:37208429). It is absent or not present at a significant frequency in gnomAD. In conclusion, we classify ABCB4 p.Pro1050Ser (c.3148C>T) as a variant of uncertain significance.

Labcorp Genetics (formerly Invitae), Labcorp
Classification: Uncertain significance. Last evaluated: 2023-10-23. Review status: criteria provided, single submitter. Criteria: Invitae Variant Classification Sherloc (09022015). Collection method: clinical testing. Allele origin: germline.
Comment: This sequence change replaces proline, which is neutral and non-polar, with serine, which is neutral and polar, at codon 1050 of the ABCB4 protein (p.Pro1050Ser). This variant is not present in population databases (gnomAD no frequency). This variant has not been reported in the literature in individuals affected with ABCB4-related conditions. Advanced modeling of protein sequence and biophysical properties (such as structural, functional, and spatial information, amino acid conservation, physicochemical variation, residue mobility, and thermodynamic stability) has been performed at Invitae for this missense variant, however the output from this modeling did not meet the statistical confidence thresholds required to predict the impact of this variant on ABCB4 protein function. In summary, the available evidence is currently insufficient to determine the role of this variant in disease. Therefore, it has been classified as a Variant of Uncertain Significance.

Literature cited by the submitters: PubMed 37208429 (cited by Genomenon, Inc).